The following is an entry in ClinVar:

NM_012434.5(SLC17A5):c.223G>C (p.Glu75Gln)

Gene: SLC17A5 (solute carrier family 17 member 5; minus strand). Cytogenetic location: 6q13.
Variant type: single nucleotide variant.
Coding change: c.223G>C on transcript NM_012434.5 (MANE Select); coding-DNA position 223, G replaced by C.
Protein change: p.Glu75Gln; replaces glutamic acid 75 with glutamine.
Molecular consequence: missense variant. On other transcripts: intron variant (2).
Genome position (GRCh38, 1-based): chr6:73,644,475, C>G on the plus strand (G>C on the coding strand, the complement: SLC17A5 is on the minus strand). VCF-style: chr6-73644475-C-G. GRCh37 (hg19) VCF-style: chr6-74354198-C-G.
Other names: c.223G>C, p.Glu75Gln (NM_001382630.1, NM_001382632.1, NM_001382633.1 and 2 more transcripts); c.244G>C, p.Glu82Gln (NM_001382631.1); c.61-2551G>C (NM_001382636.1, NM_001382629.1); short protein forms E82Q, E75Q.
Identifiers: ClinVar variation 2625536 (VCV002625536.2), dbSNP rs2533520259, ClinGen allele CA364718915.
Genomic context (GRCh38, chr6:73,644,475, plus strand): 5'-TATGATGAACTTTTATGGGAGCAGAATGCTCTGGACACGCCTTGGAAGTTCTATTATCTT[C>G]TAAAGTTGTATTTGAATCTACCATATCCACTAACGCAACACTCAGATTCACACGTAATGC-3'
Protein context (NP_036566.1, residues 65-85): VDMVDSNTTL[Glu75Gln]DNRTSKACPE

ClinVar aggregate classification (germline): Uncertain significance (1 of 4 stars; one submission).

Conditions:
Inborn genetic diseases. Identifiers: MedGen C0950123, MeSH D030342.

Submission:

Ambry Genetics
Classification: Uncertain significance for Inborn genetic diseases. Last evaluated: 2023-07-13. Review status: criteria provided, single submitter. Criteria: Ambry Variant Classification Scheme 2023. Collection method: clinical testing. Allele origin: germline.
Comment: The p.E75Q variant (also known as c.223G>C), located in coding exon 2 of the SLC17A5 gene, results from a G to C substitution at nucleotide position 223. The glutamic acid at codon 75 is replaced by glutamine, an amino acid with highly similar properties. This amino acid position is conserved. In addition, this alteration is predicted to be tolerated by in silico analysis. Since supporting evidence is limited at this time, the clinical significance of this alteration remains unclear.